The following is an entry in ClinVar:

NM_000059.4(BRCA2):c.1855del (p.Gln619fs)

Gene: BRCA2 (BRCA2 DNA repair associated; plus strand). Cytogenetic location: 13q13.1.
Variant type: Deletion.
Coding change: c.1855del on transcript NM_000059.4 (MANE Select); coding-DNA position 1855, one base deleted (C; older notation c.1855delC).
Protein change: p.Gln619fs; shifts the reading frame from glutamine 619.
Molecular consequence: frameshift variant.
Genome position (GRCh38, 1-based): chr13:32,333,333, C deleted; the last of 3 consecutive C bases (chr13:32,333,331-32,333,333); deleting any one gives the same sequence. VCF-style (leftmost placement, unchanged base first): chr13-32333330-GC-G. GRCh37 (hg19) VCF-style: chr13-32907467-GC-G.
Other names: c.1855delC (NM_000059.3); short protein forms Q619fs.
Identifiers: ClinVar variation 186184 (VCV000186184.7), dbSNP rs397507611, ClinGen allele CA013637.

ClinVar aggregate classification (germline): Pathogenic. Review status: reviewed by expert panel (3 of 4 stars). 2 submissions from 2 submitters: Pathogenic (1). 1 of the submissions does not count toward it. Last evaluated 2016-09-08.

Conditions:
Hereditary cancer-predisposing syndrome. Also called: Hereditary Cancer Syndrome; Neoplastic Syndromes, Hereditary; Tumor predisposition; Hereditary neoplastic syndrome. Identifiers: Orphanet 140162, MedGen C0027672, MeSH D009386, MONDO:0015356.
Breast-ovarian cancer, familial, susceptibility to, 2 (BROVCA2). Also called: BRCA2 Hereditary Breast and Ovarian Cancer. Identifiers: Orphanet 145, MedGen C2675520, MONDO:0012933, OMIM 612555. Disease mechanism: loss of function.

Submissions (2):

Evidence-based Network for the Interpretation of Germline Mutant Alleles (ENIGMA)
Classification: Pathogenic for Breast-ovarian cancer, familial, susceptibility to, 2. Last evaluated: 2016-09-08. Review status: reviewed by expert panel. Criteria: ENIGMA BRCA1/2 Classification Criteria (2015). Collection method: curation. Allele origin: germline.
Comment: Variant allele predicted to encode a truncated non-functional protein.

Ambry Genetics
Classification: Pathogenic for Hereditary cancer-predisposing syndrome. Last evaluated: 2022-12-29. Review status: criteria provided, single submitter. Criteria: Ambry Variant Classification Scheme 2023. Collection method: clinical testing. Allele origin: germline. Not counted in ClinVar's aggregate classification.
Comment: The c.1855delC pathogenic mutation, located in coding exon 9 of the BRCA2 gene, results from a deletion of one nucleotide at nucleotide position 1855, causing a translational frameshift with a predicted alternate stop codon (p.Q619Sfs*25). This alteration is expected to result in loss of function by premature protein truncation or nonsense-mediated mRNA decay. As such, this alteration is interpreted as a disease-causing mutation.